The following is an entry in ClinVar:

NM_004086.3(COCH):c.260G>C (p.Gly87Ala)

Genes: COCH (cochlin; plus strand), COCH-AS1 (COCH antisense RNA 1; minus strand). Cytogenetic location: 14q12.
Variant type: single nucleotide variant.
Coding change: c.260G>C on transcript NM_004086.3 (MANE Select); coding-DNA position 260, G replaced by C.
Protein change: p.Gly87Ala; replaces glycine 87 with alanine.
Molecular consequence: missense variant.
Genome position (GRCh38, 1-based): chr14:30,878,831, G>C. VCF-style: chr14-30878831-G-C. GRCh37 (hg19) VCF-style: chr14-31348037-G-C.
Other names: NM_004086.3(COCH):c.260G>C; c.260G>C, p.Gly87Ala (NM_001135058.2); c.455G>C, p.Gly152Ala (NM_001347720.2); short protein forms G87A, G152A.
Identifiers: ClinVar variation 517362 (VCV000517362.6), dbSNP rs1555310861, ClinGen allele CA389344544.

ClinVar aggregate classification (germline): Likely pathogenic. Review status: reviewed by expert panel (3 of 4 stars). 2 submissions from 2 submitters: Likely pathogenic (1). 1 of the submissions does not count toward it. Last evaluated 2026-09-16.

Conditions:
Rare genetic deafness. Identifiers: Orphanet 96210, MedGen C5680250.
Nonsyndromic genetic hearing loss. Also called: Nonsyndromic genetic deafness; Nonsyndromic hearing loss and deafness; Non-syndromic genetic deafness. Identifiers: Orphanet 87884, MedGen C5680182, MONDO:0019497.

Submissions (2):

ClinGen Hearing Loss Variant Curation Expert Panel
Classification: Likely pathogenic for Nonsyndromic genetic hearing loss. Last evaluated: 2026-09-16. Review status: reviewed by expert panel. Criteria: Clingen Hl Acmg Specifications Cdh23 Coch Gjb2 Kcnq4 Myo6 Myo7a Slc26a4 Tecta Ush2a V2. Collection method: curation. Allele origin: germline. Inheritance: Autosomal dominant inheritance.
Comment: The variant NM_004086.3:c.260G>C in COCH is a missense variant predicted to cause substitution of Glycine to Alanine at amino acid 87 (p.Gly87Ala). This variant was not found in gnomAD v4.1.1 (PM2_Supporting met). The in silico predictor REVEL yields a score of 0.793 (PP3 met). This variant was identified in a family (Laboratory for Molecular Medicine internal data, SCV000731610.2), in which it segregated with autosomal dominant, progressive, late-onset HL and concomitant vestibular dysfunction in two affected family members (PP1 met). Given the highly specific phenotype of autosomal dominant, progressive HL with vestibular dysfunction, the HL-VCEP decided to apply PP4 evidence criteria. Two different missense variant c.259G>T (p.Gly87Trp) and c.260G>T (p.Gly87Val) at the same amino acid position have been classified Likely-Pathogenic by the ClinGen HL-VCEP (PM5_Strong met). In summary, based on the current evidence (PM5_Strong, PP1, PP4, PP3 & PM2_Supporting), the variant NM_004086.3(COCH):c.260G>C (p.Gly87Ala) is classified as likely pathogenic for autosomal dominant non-syndromic SNHL based on the ACMG/AMP criteria applied, as specified by the ClinGen HL-VCEP (ClinGen Hearing Loss VCEP specifications version 2; 09/16/2026).

Laboratory for Molecular Medicine, Mass General Brigham Personalized Medicine
Classification: Likely pathogenic for Rare genetic deafness. Last evaluated: 2019-09-13. Review status: criteria provided, single submitter. Criteria: LMM Criteria. Collection method: clinical testing. Allele origin: germline. Inheritance: Autosomal dominant inheritance. Observed: 3 variant alleles. Not counted in ClinVar's aggregate classification.
Comment: It has not been identified in large population studies. Glycine (Gly) at position 87 is highly conserved in mammals and evolutionarily distant species, raising the possibility that a change at this position may not be tolerated. Furthermore, two different variants at the same amino acid position (p.Gly87Val and p.Gly87Trp) have been previously reported to segregate with hearing loss in 3 families manifesting autosomal dominant sensorineural hearing loss and vestibular dysfunction (Chen 2013, Collin 2006, Yang 2013). It is located in a functional domain enriched with variants identified in hearing loss patients (Bae 2014). In summary, while additional studies are required to establish fully its clinical significance, the p.Gly87Ala variant is likely pathogenic. ACMG/AMP Criteria applied: PM1, PM2, PM5, PP4, PP1.

Literature cited by the submitters: PubMed 23993205 (cited by Laboratory for Molecular Medicine, Mass General Brigham Personalized Medicine); PubMed 16835921 (cited by Laboratory for Molecular Medicine, Mass General Brigham Personalized Medicine); PubMed 23767834 (cited by Laboratory for Molecular Medicine, Mass General Brigham Personalized Medicine); PubMed 26351166 (cited by Laboratory for Molecular Medicine, Mass General Brigham Personalized Medicine); PubMed 25230692 (cited by Laboratory for Molecular Medicine, Mass General Brigham Personalized Medicine).